The following is an entry in ClinVar:

ClinVar aggregate classification (germline): Likely benign (1 of 4 stars; one submission).

Allele frequency attached by ClinVar (database versions not stated): TOPMed 0.00001; ExAC 0.00002; gnomAD exomes 0.00003; gnomAD 0.00004; 1000 Genomes Project 30x 0.00016; 1000 Genomes Project 0.00020.
gnomAD v4.1: 47 of 1,614,236 alleles (0.0029%); highest among the groups gnomAD compares: South Asian, 0.027%; no homozygotes.

Submissions (2):

CeGaT Center for Human Genetics Tuebingen
Classification: Likely benign. Last evaluated: 2022-03-01. Review status: criteria provided, single submitter. Criteria: CeGaT Center For Human Genetics Tuebingen Variant Classification Criteria Version 2. Collection method: clinical testing. Allele origin: germline. Affected: yes. Observed: 1 variant allele.
Comment: TTBK2: BP4

Dr. Peter K. Rogan Lab, Western University
No classification provided (evidence only). Condition: Ovarian serous cystadenocarcinoma. Review status: no classification provided. Collection method: in vitro. Allele origin: not applicable. Functional consequence: retained intron. Not counted in ClinVar's aggregate classification.

NM_173500.4(TTBK2):c.2850A>G (p.Gln950=)

Gene: TTBK2 (tau tubulin kinase 2; minus strand). Cytogenetic location: 15q15.2.
Variant type: single nucleotide variant.
Coding change: c.2850A>G on transcript NM_173500.4 (MANE Select); coding-DNA position 2850, A replaced by G.
Protein change: p.Gln950=; no amino-acid change (glutamine 950 retained).
Molecular consequence: synonymous variant.
Genome position (GRCh38, 1-based): chr15:42,752,396, T>C on the plus strand (A>G on the coding strand, the complement: TTBK2 is on the minus strand). VCF-style: chr15-42752396-T-C. GRCh37 (hg19) VCF-style: chr15-43044594-T-C.
Other names: NC_000015.9:g.43044594T>C.
Identifiers: ClinVar variation 2645258 (VCV002645258.25), dbSNP rs574547214, ClinGen allele CA7516675.